The following is an entry in ClinVar:

ClinVar aggregate classification (germline): Conflicting classifications of pathogenicity. Review status: criteria provided, conflicting classifications (1 of 4 stars). 2 submissions from 2 submitters: Likely pathogenic (1); Uncertain significance (1). Last evaluated 2025-11-12.

Allele frequency attached by ClinVar (database versions not stated): ExAC below 0.00001; gnomAD exomes 0.00002 and 0.00007; TOPMed 0.00005; gnomAD 0.00006 and 0.00007.
gnomAD v4.1: 127 of 1,562,688 alleles (0.0081%); highest among the groups gnomAD compares: Non-Finnish European, 0.0095%; no homozygotes.

Submissions (2):

Labcorp Genetics (formerly Invitae), Labcorp
Classification: Likely pathogenic. Last evaluated: 2025-11-12. Review status: criteria provided, single submitter. Criteria: Invitae Variant Classification Sherloc (09022015). Collection method: clinical testing. Allele origin: germline.
Comment: This sequence change affects a donor splice site in intron 7 of the RCBTB1 gene. It is expected to disrupt RNA splicing. Variants that disrupt the donor or acceptor splice site typically lead to a loss of protein function (PMID: 16199547), and loss-of-function variants in RCBTB1 are known to be pathogenic (PMID: 31494449). This variant is present in population databases (rs774015502, gnomAD 0.005%). Disruption of this splice site has been observed in individual(s) with cone rod dystrophy and/or RCBTB1-related conditions (PMID: 36819107; internal data). ClinVar contains an entry for this variant (Variation ID: 841772). Algorithms developed to predict the effect of sequence changes on RNA splicing suggest that this variant may disrupt the consensus splice site. In summary, the currently available evidence indicates that the variant is pathogenic, but additional data are needed to prove that conclusively. Therefore, this variant has been classified as Likely Pathogenic.

Blueprint Genetics
Classification: Uncertain significance. Last evaluated: 2024-10-30. Review status: criteria provided, single submitter. Criteria: ACMG Guidelines, 2015. Collection method: clinical testing. Allele origin: germline.

Literature cited by the submitters: PubMed 16199547 (cited by Labcorp Genetics (formerly Invitae), Labcorp); PubMed 31494449 (cited by Labcorp Genetics (formerly Invitae), Labcorp); PubMed 36819107 (cited by Labcorp Genetics (formerly Invitae), Labcorp).

NM_018191.4(RCBTB1):c.711+2T>C

Gene: RCBTB1 (RCC1 and BTB domain containing protein 1; minus strand). Cytogenetic location: 13q14.2.
Variant type: single nucleotide variant.
Coding change: c.711+2T>C on transcript NM_018191.4 (MANE Select); the canonical splice donor site of the intron after coding-DNA position 711, T replaced by C.
Molecular consequence: splice donor variant.
Genome position (GRCh38, 1-based): chr13:49,552,176, A>G on the plus strand (T>C on the coding strand, the complement: RCBTB1 is on the minus strand). VCF-style: chr13-49552176-A-G. GRCh37 (hg19) VCF-style: chr13-50126312-A-G.
Other names: c.711+2T>C (NM_001352501.2, NM_001352502.2, NM_001352503.2 and 3 more transcripts); c.132+2T>C (NM_001352506.2).
Identifiers: ClinVar variation 841772 (VCV000841772.9), dbSNP rs774015502, ClinGen allele CA6982803.